The following is an entry in ClinVar:

NM_005138.3(SCO2):c.669C>A (p.Asp223Glu)

Genes: NCAPH2 (non-SMC condensin II complex subunit H2; plus strand), SCO2 (synthesis of cytochrome C oxidase 2; minus strand). Cytogenetic location: 22q13.33.
Variant type: single nucleotide variant.
Coding change: c.669C>A on transcript NM_005138.3 (MANE Select); coding-DNA position 669, C replaced by A.
Protein change: p.Asp223Glu; replaces aspartic acid 223 with glutamic acid.
Molecular consequence: missense variant. On other transcripts: 3 prime UTR variant (2).
Genome position (GRCh38, 1-based): chr22:50,523,743, G>T on the plus strand (C>A on the coding strand, the complement: SCO2 is on the minus strand). VCF-style: chr22-50523743-G-T. GRCh37 (hg19) VCF-style: chr22-50962172-G-T.
Other names: c.*368G>T (NM_001185011.2, NM_152299.4); c.669C>A, p.Asp223Glu (NM_001169109.2, NM_001169110.1, NM_001169111.2); short protein forms D223E.
Identifiers: ClinVar variation 2090754 (VCV002090754.2), dbSNP rs2522466173, ClinGen allele CA412191512.
Genomic context (GRCh38, chr22:50,523,743, plus strand): 5'-CCGGCCGTAGTAATCCGTGAAGAGGCCGTCAGGGTTGAGCAGGTAGATGGCAATGGAGTG[G>T]TCCACGATGTAGTCCTGGTCCTCATCCTTGGGGCCTGCATTGTAGTACACGCGGTAACTG-3'
Protein context (NP_005129.2, residues 213-233): PKDEDQDYIV[Asp223Glu]HSIAIYLLNP

ClinVar aggregate classification (germline): Uncertain significance (1 of 4 stars; one submission).

Submission:

Labcorp Genetics (formerly Invitae), Labcorp
Classification: Uncertain significance. Last evaluated: 2025-10-20. Review status: criteria provided, single submitter. Criteria: Invitae Variant Classification Sherloc (09022015). Collection method: clinical testing. Allele origin: germline.
Comment: This sequence change replaces aspartic acid, which is acidic and polar, with glutamic acid, which is acidic and polar, at codon 223 of the SCO2 protein (p.Asp223Glu). This variant is not present in population databases (gnomAD no frequency). This variant has not been reported in the literature in individuals affected with SCO2-related conditions. ClinVar contains an entry for this variant (Variation ID: 2090754). Invitae Evidence Modeling of protein sequence and biophysical properties (such as structural, functional, and spatial information, amino acid conservation, physicochemical variation, residue mobility, and thermodynamic stability) indicates that this missense variant is not expected to disrupt SCO2 protein function with a negative predictive value of 80%. In summary, the available evidence is currently insufficient to determine the role of this variant in disease. Therefore, it has been classified as a Variant of Uncertain Significance.